The following is an entry in ClinVar:

NM_001367873.1(SOX6):c.1704C>T (p.Ile568=)

Gene: SOX6 (SRY-box transcription factor 6; minus strand). Cytogenetic location: 11p15.2.
Variant type: single nucleotide variant.
Coding change: c.1704C>T on transcript NM_001367873.1 (MANE Select); coding-DNA position 1704, C replaced by T.
Protein change: p.Ile568=; no amino-acid change (isoleucine 568 retained).
Molecular consequence: synonymous variant.
Genome position (GRCh38, 1-based): chr11:16,014,970, G>A on the plus strand (C>T on the coding strand, the complement: SOX6 is on the minus strand). VCF-style: chr11-16014970-G-A. GRCh37 (hg19) VCF-style: chr11-16036516-G-A.
Other names: c.1623C>T, p.Ile541= (NM_001145811.2, NM_017508.3); c.1704C>T, p.Ile568= (NM_001145819.2, NM_033326.3); c.1581C>T, p.Ile527= (NM_001367872.1).
Identifiers: ClinVar variation 3049317 (VCV003049317.2), dbSNP rs143782682, ClinGen allele CA5898051.

ClinVar aggregate classification (germline): Likely benign (0 of 4 stars; one submission).

Conditions:
SOX6-related disorder. Also called: SOX6-related condition.

Allele frequency attached by ClinVar (database versions not stated): gnomAD 0.00001; gnomAD exomes 0.00001; ExAC 0.00003; TOPMed 0.00003; ESP Exome Variant Server 0.00008.
gnomAD v4.1: 21 of 1,612,758 alleles (0.0013%); highest among the groups gnomAD compares: Middle Eastern, 0.033%; no homozygotes.

Submission:

PreventionGenetics, part of Exact Sciences
Classification: Likely benign for SOX6-related condition. Last evaluated: 2019-03-01. Review status: no assertion criteria provided. Collection method: clinical testing. Allele origin: germline.
Comment: This variant is classified as likely benign based on ACMG/AMP sequence variant interpretation guidelines (Richards et al. 2015 PMID: 25741868, with internal and published modifications).